The following is an entry in ClinVar:

ClinVar aggregate classification (germline): Uncertain significance. Review status: criteria provided, multiple submitters, no conflicts (2 of 4 stars). 5 submissions from 5 submitters: Uncertain significance (5). Last evaluated 2025-12-01.

Conditions:
Hypertrophic cardiomyopathy 26. Also called: Cardiomyopathy, familial hypertrophic, 26. Identifiers: Orphanet 75249, MedGen C4310749, MONDO:0014883, OMIM 617047.
Cardiomyopathy (CMYO). Also called: Cardiomyopathies. Identifiers: Orphanet 167848, MedGen C0878544, MONDO:0004994, HP:0001638. Inheritance: Various modes of inheritance.
Distal myopathy with posterior leg and anterior hand involvement. Also called: WILLIAMS DISTAL MYOPATHY. Identifiers: Orphanet 63273, MedGen C3279722, MONDO:0013550, OMIM 614065.
Myofibrillar myopathy 5. Also called: Filaminopathy (type); FILAMINOPATHY, AUTOSOMAL DOMINANT. Identifiers: Orphanet 171445, MedGen C1836050, MONDO:0012289, OMIM 609524.
Cardiovascular phenotype. Identifiers: MedGen CN230736.

Allele frequency attached by ClinVar (database versions not stated): gnomAD 0.00001; TOPMed 0.00001; ExAC 0.00003; gnomAD exomes 0.00003 and 0.00004; ESP Exome Variant Server 0.00008.
gnomAD v4.1: 63 of 1,613,804 alleles (0.0039%); highest among the groups gnomAD compares: Non-Finnish European, 0.0049%; no homozygotes.

Submissions (5):

Labcorp Genetics (formerly Invitae), Labcorp
Classification: Uncertain significance for Distal myopathy with posterior leg and anterior hand involvement; Myofibrillar myopathy 5; Hypertrophic cardiomyopathy 26. Last evaluated: 2025-12-01. Review status: criteria provided, single submitter. Criteria: Invitae Variant Classification Sherloc (09022015). Collection method: clinical testing. Allele origin: germline.
Comment: This sequence change replaces threonine, which is neutral and polar, with isoleucine, which is neutral and non-polar, at codon 1943 of the FLNC protein (p.Thr1943Ile). This variant is present in population databases (rs376413798, gnomAD 0.007%). This variant has not been reported in the literature in individuals affected with FLNC-related conditions. ClinVar contains an entry for this variant (Variation ID: 472113). Invitae Evidence Modeling of protein sequence and biophysical properties (such as structural, functional, and spatial information, amino acid conservation, physicochemical variation, residue mobility, and thermodynamic stability) has been performed for this missense variant. However, the output from this modeling did not meet the statistical confidence thresholds required to predict the impact of this variant on FLNC protein function. In summary, the available evidence is currently insufficient to determine the role of this variant in disease. Therefore, it has been classified as a Variant of Uncertain Significance.

Ambry Genetics
Classification: Uncertain significance for Cardiovascular phenotype. Last evaluated: 2022-03-15. Review status: criteria provided, single submitter. Criteria: Ambry Variant Classification Scheme 2023. Collection method: clinical testing. Allele origin: germline.
Comment: The p.T1943I variant (also known as c.5828C>T), located in coding exon 35 of the FLNC gene, results from a C to T substitution at nucleotide position 5828. The threonine at codon 1943 is replaced by isoleucine, an amino acid with similar properties. This amino acid position is highly conserved in available vertebrate species. In addition, this alteration is predicted to be deleterious by in silico analysis. Since supporting evidence is limited at this time, the clinical significance of this alteration remains unclear.

CHEO Genetics Diagnostic Laboratory, Children's Hospital of Eastern Ontario
Classification: Uncertain significance for Cardiomyopathy. Last evaluated: 2021-09-15. Review status: criteria provided, single submitter. Criteria: ACMG Guidelines, 2015. Collection method: clinical testing. Allele origin: germline.

Revvity Omics, Revvity
Classification: Uncertain significance. Last evaluated: 2020-09-24. Review status: criteria provided, single submitter. Criteria: ACMG Guidelines, 2015. Collection method: clinical testing. Allele origin: germline.

Victorian Clinical Genetics Services, Murdoch Childrens Research Institute
Classification: Uncertain significance for Hypertrophic cardiomyopathy 26. Last evaluated: 2020-05-21. Review status: criteria provided, single submitter. Criteria: ACMG Guidelines, 2015. Collection method: clinical testing. Allele origin: germline. Inheritance: Autosomal dominant inheritance. Affected: yes.
Comment: Based on the classification scheme VCGS_Germline_v1.1.1, this variant is classified as 3B-VUS. Following criteria are met: 0103 - Both loss- and gain-of-function are known mechanisms of disease for this gene. (N) 0107 - This gene is known to be associated with autosomal dominant disease. (N) 0200 - Variant is predicted to result in a missense amino acid change from threonine to isoleucine (exon 35). (N) 0251 - Variant is heterozygous. (N) 0302 - Variant is present in gnomAD <0.001 for a dominant condition (9 heterozygotes, 0 homozygotes). (P) 0502 - Missense variant with conflicting in silico predictions but high conservation. (N) 0600 - Variant is located in an annotated domain or motif (Filamin repeat domain; NCBI). (N) 0705 - No comparable variants have previous evidence for pathogenicity. (N) 0804 - Variant has previously been described as variant of uncertain significance in ClinVar. (N) 0905 - No segregation evidence has been identified for this variant, in the literature. (N) 1007 - No published functional evidence has been identified for this variant. (N) 1208 - Inheritance information for this variant is not currently available. (N) Legend: (P) - Pathogenic, (N) - Neutral, (B) - Benign

NM_001458.5(FLNC):c.5828C>T (p.Thr1943Ile)

Genes: FLNC-AS1 (FLNC antisense RNA 1; minus strand), FLNC (filamin C; plus strand). Cytogenetic location: 7q32.1.
Variant type: single nucleotide variant.
Coding change: c.5828C>T on transcript NM_001458.5 (MANE Select); coding-DNA position 5828, C replaced by T.
Protein change: p.Thr1943Ile; replaces threonine 1943 with isoleucine.
Molecular consequence: missense variant.
Genome position (GRCh38, 1-based): chr7:128,851,614, C>T. VCF-style: chr7-128851614-C-T. GRCh37 (hg19) VCF-style: chr7-128491668-C-T.
Other names: c.5729C>T, p.Thr1910Ile (NM_001127487.2); short protein forms T1943I, T1910I.
Identifiers: ClinVar variation 472113 (VCV000472113.15), dbSNP rs376413798, ClinGen allele CA4475796.